The following is an entry in ClinVar:

NM_001080449.3(DNA2):c.155T>G (p.Val52Gly)

Gene: DNA2 (DNA replication helicase/nuclease 2; minus strand). Cytogenetic location: 10q21.3.
Variant type: single nucleotide variant.
Coding change: c.155T>G on transcript NM_001080449.3 (MANE Select); coding-DNA position 155, T replaced by G.
Protein change: p.Val52Gly; replaces valine 52 with glycine.
Molecular consequence: missense variant. On other transcripts: non-coding transcript variant (1).
Genome position (GRCh38, 1-based): chr10:68,470,083, A>C on the plus strand (T>G on the coding strand, the complement: DNA2 is on the minus strand). VCF-style: chr10-68470083-A-C. GRCh37 (hg19) VCF-style: chr10-70229840-A-C.
Other names: short protein forms V52G.
Identifiers: ClinVar variation 2794684 (VCV002794684.3), dbSNP rs748598380, ClinGen allele CA5525366.

ClinVar aggregate classification (germline): Uncertain significance (1 of 4 stars; one submission).

Allele frequency attached by ClinVar (database versions not stated): gnomAD exomes below 0.00001; ExAC 0.00001; gnomAD 0.00001.
gnomAD v4.1: 4 of 1,613,668 alleles (0.00025%); highest among the groups gnomAD compares: Non-Finnish European, 0.00034%; no homozygotes.

Submission:

Labcorp Genetics (formerly Invitae), Labcorp
Classification: Uncertain significance. Last evaluated: 2023-05-31. Review status: criteria provided, single submitter. Criteria: Invitae Variant Classification Sherloc (09022015). Collection method: clinical testing. Allele origin: germline.
Comment: In summary, the available evidence is currently insufficient to determine the role of this variant in disease. Therefore, it has been classified as a Variant of Uncertain Significance. Advanced modeling of protein sequence and biophysical properties (such as structural, functional, and spatial information, amino acid conservation, physicochemical variation, residue mobility, and thermodynamic stability) performed at Invitae indicates that this missense variant is expected to disrupt DNA2 protein function. This variant has not been reported in the literature in individuals affected with DNA2-related conditions. This variant is not present in population databases (gnomAD no frequency). This sequence change replaces valine, which is neutral and non-polar, with glycine, which is neutral and non-polar, at codon 52 of the DNA2 protein (p.Val52Gly).